The following is an entry in ClinVar:

ClinVar aggregate classification (germline): Likely benign. Review status: criteria provided, multiple submitters, no conflicts (2 of 4 stars). 4 submissions from 4 submitters: Likely benign (3). 1 of the submissions does not count toward it. Last evaluated 2024-09-01.

Conditions:
TECPR2-related disorder. Also called: TECPR2-related condition.
Hereditary spastic paraplegia 49 (HSAN9). Also called: Spastic paraplegia 49, autosomal recessive; TECPR2-Related Hereditary Sensory and Autonomic Neuropathy with Intellectual Disability; NEUROPATHY, HEREDITARY SENSORY AND AUTONOMIC, TYPE IX, WITH DEVELOPMENTAL DELAY. Identifiers: Orphanet 320385, MedGen C5190860, MONDO:0014016, OMIM 615031.

Allele frequency attached by ClinVar (database versions not stated): gnomAD exomes 0.00003 and 0.00005; ExAC 0.00007; gnomAD 0.00007 and 0.00008; TOPMed 0.00009; ESP Exome Variant Server 0.00015.
gnomAD v4.1: 55 of 1,613,970 alleles (0.0034%); highest among the groups gnomAD compares: East Asian, 0.0067%; no homozygotes.

Submissions (4):

CeGaT Center for Human Genetics Tuebingen
Classification: Likely benign. Last evaluated: 2024-09-01. Review status: criteria provided, single submitter. Criteria: CeGaT Center For Human Genetics Tuebingen Variant Classification Criteria Version 2. Collection method: clinical testing. Allele origin: germline. Affected: yes. Observed: 1 variant allele.
Comment: TECPR2: BP4, BP7

Labcorp Genetics (formerly Invitae), Labcorp
Classification: Likely benign for Hereditary spastic paraplegia 49. Last evaluated: 2023-09-19. Review status: criteria provided, single submitter. Criteria: Invitae Variant Classification Sherloc (09022015). Collection method: clinical testing. Allele origin: germline.

Blueprint Genetics
Classification: Likely benign. Last evaluated: 2020-01-09. Review status: criteria provided, single submitter. Criteria: ACMG Guidelines, 2015. Collection method: clinical testing. Allele origin: germline.

PreventionGenetics, part of Exact Sciences
Classification: Likely benign for TECPR2-related condition. Last evaluated: 2019-09-13. Review status: no assertion criteria provided. Collection method: clinical testing. Allele origin: germline. Not counted in ClinVar's aggregate classification.
Comment: This variant is classified as likely benign based on ACMG/AMP sequence variant interpretation guidelines (Richards et al. 2015 PMID: 25741868, with internal and published modifications).

NM_014844.5(TECPR2):c.3087G>A (p.Thr1029=)

Gene: TECPR2 (tectonin beta-propeller repeat containing 2; plus strand). Cytogenetic location: 14q32.31.
Variant type: single nucleotide variant.
Coding change: c.3087G>A on transcript NM_014844.5 (MANE Select); coding-DNA position 3087, G replaced by A.
Protein change: p.Thr1029=; no amino-acid change (threonine 1029 retained).
Molecular consequence: synonymous variant.
Genome position (GRCh38, 1-based): chr14:102,449,640, G>A. VCF-style: chr14-102449640-G-A. GRCh37 (hg19) VCF-style: chr14-102915977-G-A.
Other names: c.3087G>A (NM_014844.4); c.3087G>A, p.Thr1029= (NM_001172631.3).
Identifiers: ClinVar variation 698723 (VCV000698723.28), dbSNP rs374084038, ClinGen allele CA7358141.